The following is an entry in ClinVar:

NM_001370466.1(NOD2):c.2465C>T (p.Ala822Val)

Gene: NOD2 (nucleotide binding oligomerization domain containing 2; plus strand). Cytogenetic location: 16q12.1.
Variant type: single nucleotide variant.
Coding change: c.2465C>T on transcript NM_001370466.1 (MANE Select); coding-DNA position 2465, C replaced by T.
Protein change: p.Ala822Val; replaces alanine 822 with valine.
Molecular consequence: missense variant. On other transcripts: non-coding transcript variant (1).
Genome position (GRCh38, 1-based): chr16:50,716,670, C>T. VCF-style: chr16-50716670-C-T. GRCh37 (hg19) VCF-style: chr16-50750581-C-T.
Other names: c.2465C>T, p.Ala822Val (NM_001293557.2); c.2546C>T, p.Ala849Val (NM_022162.3); c.2546C>T (LRG_177t1); short protein forms A849V, A822V.
Identifiers: ClinVar variation 97855 (VCV000097855.20), dbSNP rs104895486, ClinGen allele CA150277.

ClinVar aggregate classification (germline): Conflicting classifications of pathogenicity. Review status: criteria provided, conflicting classifications (1 of 4 stars). 7 submissions from 6 submitters: Uncertain significance (3); Likely benign (3). 1 of the submissions does not count toward it. Last evaluated 2026-02-24.

Conditions:
Blau syndrome (BLAUS). Also called: GRANULOMATOSIS, FAMILIAL JUVENILE SYSTEMIC; GRANULOMATOSIS, FAMILIAL, BLAU TYPE; GRANULOMATOUS INFLAMMATORY ARTHRITIS, DERMATITIS, AND UVEITIS, FAMILIAL; JABS SYNDROME; ARTHROCUTANEOUVEAL GRANULOMATOSIS. Identifiers: Orphanet 90340, MedGen C5201146, MONDO:0008523, OMIM 186580.
Regional enteritis. Also called: Enteritis, Granulomatous. Identifiers: MedGen C0678202, MeSH D003424.
Inflammatory bowel disease 1 (IBD1). Also called: INFLAMMATORY BOWEL DISEASE (CROHN DISEASE) 1; Inflammatory bowel disease 1, Crohn disease. Identifiers: MedGen CN260071, MONDO:0009960, OMIM 266600.
NOD2-related disorder. Also called: NOD2-related condition.
Autoinflammatory syndrome. Identifiers: Orphanet 93665, MedGen C3890737, MONDO:0019751.

Allele frequency attached by ClinVar (database versions not stated): gnomAD 0.00003; TOPMed 0.00005; 1000 Genomes Project 30x 0.00016; 1000 Genomes Project 0.00020.
gnomAD v4.1: 71 of 1,613,900 alleles (0.0044%); highest among the groups gnomAD compares: Admixed American, 0.023%; no homozygotes.

Submissions (7):

PreventionGenetics, part of Exact Sciences
Classification: Uncertain significance for NOD2-related condition. Last evaluated: 2026-02-24. Review status: criteria provided, single submitter. Criteria: ACMG Guidelines, 2015. Collection method: clinical testing. Allele origin: germline.
Comment: The NOD2 c.2546C>T variant is predicted to result in the amino acid substitution p.Ala849Val. This variant has been identified in a study of individuals with inflammatory bowel disease (Schnitzler et al. 2006. PubMed ID: 16485124). This variant is reported in 0.035% of alleles in individuals of Latino descent in gnomAD. At this time, the clinical significance of this variant is uncertain due to the absence of conclusive functional and genetic evidence.

Labcorp Genetics (formerly Invitae), Labcorp
Classification: Uncertain significance for Regional enteritis; Blau syndrome. Last evaluated: 2026-01-05. Review status: criteria provided, single submitter. Criteria: Invitae Variant Classification Sherloc (09022015). Collection method: clinical testing. Allele origin: germline.
Comment: This sequence change replaces alanine, which is neutral and non-polar, with valine, which is neutral and non-polar, at codon 849 of the NOD2 protein (p.Ala849Val). This variant is present in population databases (rs104895486, gnomAD 0.04%), and has an allele count higher than expected for a pathogenic variant. This missense change has been observed in individual(s) with Crohn's disease (PMID: 16485124). ClinVar contains an entry for this variant (Variation ID: 97855). Invitae Evidence Modeling of protein sequence and biophysical properties (such as structural, functional, and spatial information, amino acid conservation, physicochemical variation, residue mobility, and thermodynamic stability) has been performed for this missense variant. However, the output from this modeling did not meet the statistical confidence thresholds required to predict the impact of this variant on NOD2 protein function. In summary, the available evidence is currently insufficient to determine the role of this variant in disease. Therefore, it has been classified as a Variant of Uncertain Significance.

ARUP Laboratories, Molecular Genetics and Genomics, ARUP Laboratories
Classification: Uncertain significance. Last evaluated: 2023-10-20. Review status: criteria provided, single submitter. Criteria: ARUP Molecular Germline Variant Investigation Process 2024. Collection method: clinical testing. Allele origin: germline.
Comment: The NOD2 c.2546C>T; p.Ala849Val variant (rs104895486) is reported in the literature in an individual with Crohn's disease (Schnitzler 2006). This variant is also reported in ClinVar (Variation ID: 97855). It is observed in the general population with an overall allele frequency of 0.008% (20/251148 alleles) in the Genome Aggregation Database. Computational analyses are uncertain whether this variant is neutral or deleterious (REVEL: 0.226). Due to limited information, the clinical significance of this variant is uncertain at this time. References: Schnitzler F et al. Eight novel CARD15 variants detected by DNA sequence analysis of the CARD15 gene in 111 patients with inflammatory bowel disease. Immunogenetics. 2006 Apr;58(2-3):99-106. PMID: 16485124.

Genome Diagnostics Laboratory, The Hospital for Sick Children
Classification: Likely benign for Autoinflammatory syndrome. Last evaluated: 2020-11-11. Review status: criteria provided, single submitter. Criteria: ACMG Guidelines, 2015. Collection method: clinical testing. Allele origin: germline. Affected: yes.

Illumina Laboratory Services, Illumina
Classification: Likely benign for Blau syndrome. Last evaluated: 2017-04-28. Review status: criteria provided, single submitter. Criteria: ICSL Variant Classification Criteria 13 December 2019. Collection method: clinical testing. Allele origin: germline.
Comment: This variant was observed as part of a predisposition screen in an ostensibly healthy population. A literature search was performed for the gene, cDNA change, and amino acid change (where applicable). No publications were found based on this search. Allele frequency data from public databases allowed determination this variant is unlikely to cause disease. Therefore, this variant is classified as likely benign.

Illumina Laboratory Services, Illumina
Classification: Likely benign for Inflammatory bowel disease 1. Last evaluated: 2017-04-28. Review status: criteria provided, single submitter. Criteria: ICSL Variant Classification Criteria 13 December 2019. Collection method: clinical testing. Allele origin: germline.
Comment: This variant was observed as part of a predisposition screen in an ostensibly healthy population. A literature search was performed for the gene, cDNA change, and amino acid change (where applicable). Publications were found based on this search. The evidence from the literature, in combination with allele frequency data from public databases where available, was sufficient to determine this variant is unlikely to cause disease. Therefore, this variant is classified as likely benign.

Unité médicale des maladies autoinflammatoires, CHRU Montpellier
No classification provided. Condition: Sarcoidosis, early-onset. Review status: no classification provided. Collection method: not provided. Allele origin: unknown. Not counted in ClinVar's aggregate classification.
Comment: also involved in OMIM 186580 and 266600

Literature cited by the submitters: PubMed 16485124 (cited by Labcorp Genetics (formerly Invitae), Labcorp and Illumina Laboratory Services, Illumina).